The following is an entry in ClinVar:

ClinVar aggregate classification (germline): Conflicting classifications of pathogenicity. Review status: criteria provided, conflicting classifications (1 of 4 stars). 2 submissions from 2 submitters: Likely pathogenic (1); Uncertain significance (1). Last evaluated 2021-09-01.

Conditions:
Succinate-semialdehyde dehydrogenase deficiency (SSADHD). Also called: 4-HYDROXYBUTYRIC ACIDURIA; GABA METABOLIC DEFECT; SSADH DEFICIENCY; Succinic Semialdehyde Dehydrogenase Deficiency. Identifiers: Orphanet 22, MedGen C0268631, MONDO:0010083, OMIM 271980.

Submissions (2):

CeGaT Center for Human Genetics Tuebingen
Classification: Uncertain significance. Last evaluated: 2021-09-01. Review status: criteria provided, single submitter. Criteria: CeGaT Center For Human Genetics Tuebingen Variant Classification Criteria Version 2. Collection method: clinical testing. Allele origin: germline. Affected: yes. Observed: 2 variant alleles.

Elsea Laboratory, Baylor College of Medicine
Classification: Likely pathogenic for Succinate-semialdehyde dehydrogenase deficiency. Last evaluated: 2021-03-08. Review status: criteria provided, single submitter. Criteria: Martin et al. (J Child Neurol. 2021). Collection method: curation. Allele origin: germline. Affected: yes.
Comment: NAD bnding domain

Literature cited by the submitters: PubMed 25431891 (cited by Elsea Laboratory, Baylor College of Medicine).

NM_001080.3(ALDH5A1):c.496T>C (p.Trp166Arg)

Gene: ALDH5A1 (aldehyde dehydrogenase 5 family member A1; plus strand). Cytogenetic location: 6p22.3.
Variant type: single nucleotide variant.
Coding change: c.496T>C on transcript NM_001080.3 (MANE Select); coding-DNA position 496, T replaced by C.
Protein change: p.Trp166Arg; replaces tryptophan 166 with arginine.
Molecular consequence: missense variant.
Genome position (GRCh38, 1-based): chr6:24,503,320, T>C. VCF-style: chr6-24503320-T-C. GRCh37 (hg19) VCF-style: chr6-24503548-T-C.
Other names: c.496T>C, p.Trp166Arg (NM_001368954.1, NM_170740.1); short protein forms W166R.
Identifiers: ClinVar variation 1299017 (VCV001299017.37), dbSNP rs2127382426, ClinGen allele CA362969511.